The following is an entry in ClinVar:

NM_001377.3(DYNC2H1):c.7293-307A>G

Gene: DYNC2H1 (dynein cytoplasmic 2 heavy chain 1; plus strand). Cytogenetic location: 11q22.3.
Variant type: single nucleotide variant.
Coding change: c.7293-307A>G on transcript NM_001377.3 (MANE Select); 307 bases into the intron before coding-DNA position 7293, A replaced by G.
Molecular consequence: intron variant.
Genome position (GRCh38, 1-based): chr11:103,189,365, A>G. VCF-style: chr11-103189365-A-G. GRCh37 (hg19) VCF-style: chr11-103060094-A-G.
Other names: c.7293-307A>G (NM_001080463.2).
Identifiers: ClinVar variation 669888 (VCV000669888.1), dbSNP rs17374630, ClinGen allele CA15703891.

ClinVar aggregate classification (germline): Benign (1 of 4 stars; one submission).

Allele frequency attached by ClinVar (database versions not stated): TOPMed 0.07541; 1000 Genomes Project 0.07628; 1000 Genomes Project 30x 0.07761; gnomAD 0.08746 and 0.08868.
gnomAD v4.1: 13,470 of 152,180 alleles (8.9%); highest among the groups gnomAD compares: Non-Finnish European, 12%; 790 homozygotes.

Submission:

GeneDx
Classification: Benign. Last evaluated: 2018-06-14. Review status: criteria provided, single submitter. Criteria: GeneDx Variant Classification (06012015). Collection method: clinical testing. Allele origin: germline. Affected: yes.
Comment: This variant is considered likely benign or benign based on one or more of the following criteria: it is a conservative change, it occurs at a poorly conserved position in the protein, it is predicted to be benign by multiple in silico algorithms, and/or has population frequency not consistent with disease.